The following is an entry in ClinVar:

NM_032620.4(GTPBP3):c.974+3G>T

Gene: GTPBP3 (GTP binding protein 3, mitochondrial; plus strand). Cytogenetic location: 19p13.11.
Variant type: single nucleotide variant.
Coding change: c.974+3G>T on transcript NM_032620.4 (MANE Select); 3 bases into the intron after coding-DNA position 974, G replaced by T.
Molecular consequence: intron variant.
Genome position (GRCh38, 1-based): chr19:17,339,602, G>T. VCF-style: chr19-17339602-G-T. GRCh37 (hg19) VCF-style: chr19-17450411-G-T.
Other names: c.1040+3G>T (NM_001195422.1); c.1070+3G>T (NM_133644.4); c.974+3G>T (NM_001128855.3).
Identifiers: ClinVar variation 1489442 (VCV001489442.6), dbSNP rs1291303532, ClinGen allele CA2573156144.

ClinVar aggregate classification (germline): Uncertain significance (1 of 4 stars; one submission).

Submission:

Labcorp Genetics (formerly Invitae), Labcorp
Classification: Uncertain significance. Last evaluated: 2021-11-16. Review status: criteria provided, single submitter. Criteria: Invitae Variant Classification Sherloc (09022015). Collection method: clinical testing. Allele origin: germline.
Comment: In summary, the available evidence is currently insufficient to determine the role of this variant in disease. Therefore, it has been classified as a Variant of Uncertain Significance. Variants that disrupt the consensus splice site are a relatively common cause of aberrant splicing (PMID: 17576681, 9536098). Algorithms developed to predict the effect of sequence changes on RNA splicing suggest that this variant may disrupt the consensus splice site. This variant has not been reported in the literature in individuals affected with GTPBP3-related conditions. This variant is not present in population databases (gnomAD no frequency). This sequence change falls in intron 6 of the GTPBP3 gene. It does not directly change the encoded amino acid sequence of the GTPBP3 protein. It affects a nucleotide within the consensus splice site.

Literature cited by the submitters: PubMed 17576681; PubMed 9536098.